The following is an entry in ClinVar:

NM_002838.5(PTPRC):c.1649A>G (p.Tyr550Cys)

Gene: PTPRC (protein tyrosine phosphatase receptor type C; plus strand). Cytogenetic location: 1q32.1.
Variant type: single nucleotide variant.
Coding change: c.1649A>G on transcript NM_002838.5 (MANE Select); coding-DNA position 1649, A replaced by G.
Protein change: p.Tyr550Cys; replaces tyrosine 550 with cysteine.
Molecular consequence: missense variant.
Genome position (GRCh38, 1-based): chr1:198,718,292, A>G. VCF-style: chr1-198718292-A-G. GRCh37 (hg19) VCF-style: chr1-198687421-A-G.
Other names: c.1166A>G, p.Tyr389Cys (NM_080921.4); short protein forms Y389C, Y550C.
Identifiers: ClinVar variation 5017836 (VCV005017836.1).
Genomic context (GRCh38, chr1:198,718,292, plus strand): 5'-GAAATGAGTCGCATAAGAATTGCGATTTCCGTGTAAAAGATCTTCAATATTCAACAGACT[A>G]CACTTTTAAGGTAAAAGTATGCTCTCTACATTACTATAGTACCAACTACATTATAATGAT-3'
Protein context (NP_002829.3, residues 540-560): RVKDLQYSTD[Tyr550Cys]TFKAYFHNGD

ClinVar aggregate classification (germline): Uncertain significance (1 of 4 stars; one submission).

Submission:

GeneDx
Classification: Uncertain significance. Last evaluated: 2026-03-28. Review status: criteria provided, single submitter. Criteria: GeneDx Variant Classification Process June 2021. Collection method: clinical testing. Allele origin: germline.
Comment: Not observed at significant frequency in large population cohorts (gnomAD); Has not been previously published as pathogenic or benign to our knowledge; In silico analysis supports that this missense variant has a deleterious effect on protein structure/function